The following is an entry in ClinVar:

NM_015164.4(PLEKHM2):c.843CTC[1] (p.Ser283del)

Gene: PLEKHM2 (pleckstrin homology and RUN domain containing M2; plus strand). Cytogenetic location: 1p36.21.
Variant type: Microsatellite.
Coding change: c.843CTC[1] on transcript NM_015164.4 (MANE Select); one copy of the 3-base unit CTC starting at c.843; the reference has two copies in a row; one copy, 3 bases deleted.
Protein change: p.Ser283del; deletes serine 283.
Molecular consequence: inframe deletion.
Genome position (GRCh38, 1-based): chr1:15,725,450-15,725,452, CTC deleted; deleting any 3 consecutive bases within chr1:15,725,445-15,725,452 gives the same sequence; the position shown is the placement nearest the transcript's 3' end. VCF-style (leftmost placement, unchanged base first): chr1-15725444-GTCC-G. GRCh37 (hg19) VCF-style: chr1-16051939-GTCC-G.
Other names: short protein forms S283del.
Identifiers: ClinVar variation 1469253 (VCV001469253.6), dbSNP rs2148368927, ClinGen allele CA2574228000.

ClinVar aggregate classification (germline): Uncertain significance (1 of 4 stars; one submission).

Submission:

Labcorp Genetics (formerly Invitae), Labcorp
Classification: Uncertain significance. Last evaluated: 2024-06-17. Review status: criteria provided, single submitter. Criteria: Invitae Variant Classification Sherloc (09022015). Collection method: clinical testing. Allele origin: germline.
Comment: This variant, c.846_848del, results in the deletion of 1 amino acid(s) of the PLEKHM2 protein (p.Ser283del), but otherwise preserves the integrity of the reading frame. This variant is not present in population databases (gnomAD no frequency). This variant has not been reported in the literature in individuals affected with PLEKHM2-related conditions. Experimental studies and prediction algorithms are not available or were not evaluated, and the functional significance of this variant is currently unknown. In summary, the available evidence is currently insufficient to determine the role of this variant in disease. Therefore, it has been classified as a Variant of Uncertain Significance.